The following is an entry in ClinVar:

ClinVar aggregate classification (germline): Uncertain significance. Review status: criteria provided, multiple submitters, no conflicts (2 of 4 stars). 2 submissions from 2 submitters: Uncertain significance (2). Last evaluated 2025-03-04.

Conditions:
Hereditary spastic paraplegia 3A (SPG3A). Also called: SPASTIC PARAPLEGIA 3, AUTOSOMAL DOMINANT; FAMILIAL SPASTIC PARAPLEGIA, AUTOSOMAL DOMINANT, 1; SPG3; STRUMPELL DISEASE; Spastic Paraplegia 3A; Spastic paraplegia 3A, autosomal dominant. Identifiers: Orphanet 100984, MedGen C2931355, MONDO:0008437, OMIM 182600.

Submissions (2):

Institute of Human Genetics, University of Leipzig Medical Center
Classification: Uncertain significance for Hereditary spastic paraplegia 3A. Last evaluated: 2025-03-04. Review status: criteria provided, single submitter. Criteria: ACMG Guidelines, 2015. Collection method: clinical testing. Allele origin: maternal. Inheritance: Autosomal dominant inheritance. Affected: yes.
Comment: Criteria applied: PM2,PP2

Labcorp Genetics (formerly Invitae), Labcorp
Classification: Uncertain significance for Hereditary spastic paraplegia 3A. Last evaluated: 2019-05-21. Review status: criteria provided, single submitter. Criteria: Invitae Variant Classification Sherloc (09022015). Collection method: clinical testing. Allele origin: germline.
Comment: Algorithms developed to predict the effect of missense changes on protein structure and function (SIFT, PolyPhen-2, Align-GVGD) all suggest that this variant is likely to be tolerated, but these predictions have not been confirmed by published functional studies and their clinical significance is uncertain. In summary, the available evidence is currently insufficient to determine the role of this variant in disease. Therefore, it has been classified as a Variant of Uncertain Significance. This variant has been observed to segregate with hereditary spastic paraplegia in a family, and has been observed in an affected individual (PMID: 22552817, Invitae). This variant is not present in population databases (ExAC no frequency). This sequence change replaces alanine with valine at codon 445 of the ATL1 protein (p.Ala445Val). The alanine residue is highly conserved and there is a small physicochemical difference between alanine and valine.

Literature cited by the submitters: PubMed 22552817 (cited by Labcorp Genetics (formerly Invitae), Labcorp).

NM_015915.5(ATL1):c.1334C>T (p.Ala445Val)

Gene: ATL1 (atlastin GTPase 1; plus strand). Cytogenetic location: 14q22.1.
Variant type: single nucleotide variant.
Coding change: c.1334C>T on transcript NM_015915.5 (MANE Select); coding-DNA position 1334, C replaced by T.
Protein change: p.Ala445Val; replaces alanine 445 with valine.
Molecular consequence: missense variant.
Genome position (GRCh38, 1-based): chr14:50,628,245, C>T. VCF-style: chr14-50628245-C-T. GRCh37 (hg19) VCF-style: chr14-51094963-C-T.
Other names: c.1334C>T, p.Ala445Val (NM_001127713.1, NM_181598.4); short protein forms A445V.
Identifiers: ClinVar variation 645964 (VCV000645964.15), dbSNP rs1595625262, ClinGen allele CA389676069.